The following is an entry in ClinVar:

ClinVar aggregate classification (germline): Uncertain significance (1 of 4 stars; one submission).

Submission:

Ambry Genetics
Classification: Uncertain significance. Last evaluated: 2024-02-25. Review status: criteria provided, single submitter. Criteria: Ambry Variant Classification Scheme 2023. Collection method: clinical testing. Allele origin: germline.
Comment: The p.L234V variant (also known as c.700C>G), located in coding exon 5 of the POLQ gene, results from a C to G substitution at nucleotide position 700. The leucine at codon 234 is replaced by valine, an amino acid with highly similar properties. This amino acid position is conserved. In addition, this alteration is predicted to be tolerated by in silico analysis. Based on the available evidence, the clinical significance of this alteration remains unclear.

NM_199420.4(POLQ):c.700C>G (p.Leu234Val)

Gene: POLQ (DNA polymerase theta; minus strand). Cytogenetic location: 3q13.33.
Variant type: single nucleotide variant.
Coding change: c.700C>G on transcript NM_199420.4 (MANE Select); coding-DNA position 700, C replaced by G.
Protein change: p.Leu234Val; replaces leucine 234 with valine.
Molecular consequence: missense variant.
Genome position (GRCh38, 1-based): chr3:121,537,140, G>C on the plus strand (C>G on the coding strand, the complement: POLQ is on the minus strand). VCF-style: chr3-121537140-G-C. GRCh37 (hg19) VCF-style: chr3-121255987-G-C.
Other names: short protein forms L234V.
Identifiers: ClinVar variation 3230132 (VCV003230132.1), dbSNP rs921549813, ClinGen allele CA354090487.